The following is an entry in ClinVar:

ClinVar aggregate classification (germline): Uncertain significance. Review status: criteria provided, multiple submitters, no conflicts (2 of 4 stars). 3 submissions from 3 submitters: Uncertain significance (3). Last evaluated 2026-06-26.

Conditions:
Juvenile polyposis syndrome (JPS). Identifiers: Orphanet 2929, MedGen C0345893, MONDO:0017380, OMIM 174900.
Hereditary cancer-predisposing syndrome. Also called: Tumor predisposition; Neoplastic Syndromes, Hereditary; Hereditary Cancer Syndrome; Hereditary neoplastic syndrome. Identifiers: Orphanet 140162, MedGen C0027672, MeSH D009386, MONDO:0015356.

Allele frequency attached by ClinVar (database versions not stated): ExAC 0.00001.
gnomAD v4.1: 1 of 1,614,184 alleles (0.000062%); highest among the groups gnomAD compares: Non-Finnish European, 0.000085%; no homozygotes.

Submissions (3):

Ambry Genetics
Classification: Uncertain significance for Hereditary cancer-predisposing syndrome. Last evaluated: 2026-06-26. Review status: criteria provided, single submitter. Criteria: Ambry Variant Classification Scheme 2023. Collection method: clinical testing. Allele origin: germline.
Comment: The p.I426V variant (also known as c.1276A>G), located in coding exon 9 of the BMPR1A gene, results from an A to G substitution at nucleotide position 1276. The isoleucine at codon 426 is replaced by valine, an amino acid with highly similar properties. This amino acid position is well conserved in available vertebrate species. In addition, this alteration is predicted to be tolerated by in silico analysis. Since supporting evidence is limited at this time, the clinical significance of this alteration remains unclear.

Color Diagnostics, LLC DBA Color Health
Classification: Uncertain significance for Hereditary cancer-predisposing syndrome. Last evaluated: 2025-01-13. Review status: criteria provided, single submitter. Criteria: ACMG Guidelines, 2015. Collection method: clinical testing. Allele origin: germline.
Comment: This missense variant replaces isoleucine with valine at codon 426 of the BMPR1A protein. Computational prediction suggests that this variant may not impact protein structure and function. To our knowledge, functional studies have not been reported for this variant. This variant has not been reported in individuals affected with BMPR1A-related disorders in the literature. This variant has been identified in 1/251496 chromosomes in the general population by the Genome Aggregation Database (gnomAD). The available evidence is insufficient to determine the role of this variant in disease conclusively. Therefore, this variant is classified as a Variant of Uncertain Significance.

Labcorp Genetics (formerly Invitae), Labcorp
Classification: Uncertain significance for Juvenile polyposis syndrome. Last evaluated: 2023-01-19. Review status: criteria provided, single submitter. Criteria: Invitae Variant Classification Sherloc (09022015). Collection method: clinical testing. Allele origin: germline.
Comment: In summary, the available evidence is currently insufficient to determine the role of this variant in disease. Therefore, it has been classified as a Variant of Uncertain Significance. Advanced modeling performed at Invitae incorporating data from internal and/or published experimental studies (Invitae) indicates that this missense variant is not expected to disrupt BMPR1A function. ClinVar contains an entry for this variant (Variation ID: 216578). This variant has not been reported in the literature in individuals affected with BMPR1A-related conditions. This variant is present in population databases (rs780148965, gnomAD 0.0009%). This sequence change replaces isoleucine, which is neutral and non-polar, with valine, which is neutral and non-polar, at codon 426 of the BMPR1A protein (p.Ile426Val).

NM_004329.3(BMPR1A):c.1276A>G (p.Ile426Val)

Gene: BMPR1A (bone morphogenetic protein receptor type 1A; plus strand). Cytogenetic location: 10q23.2.
Variant type: single nucleotide variant.
Coding change: c.1276A>G on transcript NM_004329.3 (MANE Select); coding-DNA position 1276, A replaced by G.
Protein change: p.Ile426Val; replaces isoleucine 426 with valine.
Molecular consequence: missense variant.
Genome position (GRCh38, 1-based): chr10:86,921,629, A>G. VCF-style: chr10-86921629-A-G. GRCh37 (hg19) VCF-style: chr10-88681386-A-G.
Other names: short protein forms I426V.
Identifiers: ClinVar variation 216578 (VCV000216578.17), dbSNP rs780148965, ClinGen allele CA337634.